The following is an entry in ClinVar:

ClinVar aggregate classification (germline): Likely benign (1 of 4 stars; one submission).

Allele frequency attached by ClinVar (database versions not stated): gnomAD exomes below 0.00001 and 0.00002; TOPMed below 0.00001; ExAC 0.00001.
gnomAD v4.1: 30 of 1,614,080 alleles (0.0019%); highest among the groups gnomAD compares: Non-Finnish European, 0.0021%; no homozygotes.

Submission:

Laboratory for Molecular Medicine, Mass General Brigham Personalized Medicine
Classification: Likely benign. Last evaluated: 2015-11-09. Review status: criteria provided, single submitter. Criteria: LMM Criteria. Collection method: clinical testing. Allele origin: germline. Observed: 1 variant allele.
Comment: p.Gln608Gln in exon 9 of DFNB31: This variant is not expected to have clinical s ignificance because it does not alter an amino acid residue and is not located w ithin the splice consensus sequence. It has been identified in 1/63624 of Europe an chromosomes by the Exome Aggregation Consortium (ExAC; dbSNP rs755074681).

NM_015404.4(WHRN):c.1824G>A (p.Gln608=)

Gene: WHRN (whirlin; minus strand). Cytogenetic location: 9q32.
Variant type: single nucleotide variant.
Coding change: c.1824G>A on transcript NM_015404.4 (MANE Select); coding-DNA position 1824, G replaced by A.
Protein change: p.Gln608=; no amino-acid change (glutamine 608 retained).
Molecular consequence: synonymous variant.
Genome position (GRCh38, 1-based): chr9:114,406,767, C>T on the plus strand (G>A on the coding strand, the complement: WHRN is on the minus strand). VCF-style: chr9-114406767-C-T. GRCh37 (hg19) VCF-style: chr9-117169047-C-T.
Other names: c.675G>A, p.Gln225= (NM_001083885.3); c.1824G>A, p.Gln608= (NM_001173425.2); c.771G>A, p.Gln257= (NM_001346890.1).
Identifiers: ClinVar variation 227288 (VCV000227288.5), dbSNP rs755074681, ClinGen allele CA5205810.